The following is an entry in ClinVar:

NM_004064.5(CDKN1B):c.539A>T (p.Asn180Ile)

Gene: CDKN1B (cyclin dependent kinase inhibitor 1B; plus strand). Cytogenetic location: 12p13.1.
Variant type: single nucleotide variant.
Coding change: c.539A>T on transcript NM_004064.5 (MANE Select); coding-DNA position 539, A replaced by T.
Protein change: p.Asn180Ile; replaces asparagine 180 with isoleucine.
Molecular consequence: missense variant.
Genome position (GRCh38, 1-based): chr12:12,718,888, A>T. VCF-style: chr12-12718888-A-T. GRCh37 (hg19) VCF-style: chr12-12871822-A-T.
Other names: c.539A>T (NM_004064.3); short protein forms N180I.
Identifiers: ClinVar variation 1063804 (VCV001063804.10), dbSNP rs2136357386, ClinGen allele CA383973027.

ClinVar aggregate classification (germline): Uncertain significance. Review status: criteria provided, multiple submitters, no conflicts (2 of 4 stars). 2 submissions from 2 submitters: Uncertain significance (2). Last evaluated 2025-02-08.

Conditions:
Hereditary cancer-predisposing syndrome. Also called: Tumor predisposition; Neoplastic Syndromes, Hereditary; Hereditary Cancer Syndrome; Hereditary neoplastic syndrome. Identifiers: Orphanet 140162, MedGen C0027672, MeSH D009386, MONDO:0015356.
Multiple endocrine neoplasia type 4. Also called: MULTIPLE ENDOCRINE NEOPLASIA, TYPE IV. Identifiers: Orphanet 276152, MedGen C1970712, MONDO:0012552, OMIM 610755.

Allele frequency attached by ClinVar (database versions not stated): gnomAD exomes below 0.00001.
gnomAD v4.1: 1 of 1,614,178 alleles (0.000062%); highest among the groups gnomAD compares: Non-Finnish European, 0.000085%; no homozygotes.

Submissions (2):

Ambry Genetics
Classification: Uncertain significance for Hereditary cancer-predisposing syndrome. Last evaluated: 2025-02-08. Review status: criteria provided, single submitter. Criteria: Ambry Variant Classification Scheme 2023. Collection method: clinical testing. Allele origin: germline.
Comment: The p.N180I variant (also known as c.539A>T), located in coding exon 2 of the CDKN1B gene, results from an A to T substitution at nucleotide position 539. The asparagine at codon 180 is replaced by isoleucine, an amino acid with dissimilar properties. This amino acid position is conserved. In addition, this alteration is predicted to be tolerated by in silico analysis. Based on the available evidence, the clinical significance of this variant remains unclear.

Labcorp Genetics (formerly Invitae), Labcorp
Classification: Uncertain significance for Multiple endocrine neoplasia type 4. Last evaluated: 2024-08-19. Review status: criteria provided, single submitter. Criteria: Invitae Variant Classification Sherloc (09022015). Collection method: clinical testing. Allele origin: germline.
Comment: This sequence change replaces asparagine, which is neutral and polar, with isoleucine, which is neutral and non-polar, at codon 180 of the CDKN1B protein (p.Asn180Ile). This variant is not present in population databases (gnomAD no frequency). This variant has not been reported in the literature in individuals affected with CDKN1B-related conditions. ClinVar contains an entry for this variant (Variation ID: 1063804). An algorithm developed to predict the effect of missense changes on protein structure and function (PolyPhen-2) suggests that this variant is likely to be disruptive. In summary, the available evidence is currently insufficient to determine the role of this variant in disease. Therefore, it has been classified as a Variant of Uncertain Significance.